The following is an entry in ClinVar:

NM_007294.4(BRCA1):c.3376C>T (p.Pro1126Ser)

Genes: BRCA1 (BRCA1 DNA repair associated; minus strand), LOC126862571 (BRD4-independent group 4 enhancer GRCh37_chr17:41243136-41244335; plus strand). Cytogenetic location: 17q21.31.
Variant type: single nucleotide variant.
Coding change: c.3376C>T on transcript NM_007294.4 (MANE Select); coding-DNA position 3376, C replaced by T.
Protein change: p.Pro1126Ser; replaces proline 1126 with serine.
Molecular consequence: missense variant. On other transcripts: intron variant (137).
Genome position (GRCh38, 1-based): chr17:43,092,155, G>A on the plus strand (C>T on the coding strand, the complement: BRCA1 is on the minus strand). VCF-style: chr17-43092155-G-A. GRCh37 (hg19) VCF-style: chr17-41244172-G-A.
Other names: c.3043C>T, p.Pro1015Ser (NM_001407947.1, NM_001407948.1, NM_001407949.1 and 6 more transcripts); c.3040C>T, p.Pro1014Ser (NM_001407954.1, NM_001407955.1, NM_001407956.1 and 1 more transcripts); c.2995C>T, p.Pro999Ser (NM_001407959.1, NM_001407960.1, NM_001407963.1); c.2992C>T, p.Pro998Ser (NM_001407962.1); c.3232C>T, p.Pro1078Ser (NM_001407964.1, NM_001407740.1, NM_001407741.1 and 20 more transcripts); c.2872C>T, p.Pro958Ser (NM_001407965.1); c.2488C>T, p.Pro830Ser (NM_001407966.1, NM_001407967.1); c.3235C>T, p.Pro1079Ser (NM_007297.4, NM_001407692.1, NM_001407694.1 and 29 more transcripts); and 41 more; short protein forms P1055S, P1056S, P1079S, P1099S, P1100S, P1126S, P830S, P999S.
Identifiers: ClinVar variation 3481898 (VCV003481898.2).

ClinVar aggregate classification (germline): Conflicting classifications of pathogenicity. Review status: criteria provided, conflicting classifications (1 of 4 stars). 2 submissions from 2 submitters: Uncertain significance (1); Likely benign (1). Last evaluated 2025-11-21.

Conditions:
Breast-ovarian cancer, familial, susceptibility to, 1 (BROVCA1). Also called: BRCA1 Hereditary Breast and Ovarian Cancer; OVARIAN CANCER, SUSCEPTIBILITY TO. Identifiers: Orphanet 145, MedGen C2676676, MONDO:0011450, OMIM 604370. Disease mechanism: loss of function.
Hereditary cancer-predisposing syndrome. Also called: Neoplastic Syndromes, Hereditary; Tumor predisposition; Hereditary Cancer Syndrome; Hereditary neoplastic syndrome. Identifiers: Orphanet 140162, MedGen C0027672, MeSH D009386, MONDO:0015356.

Submissions (2):

Dasa
Classification: Likely benign for Breast-ovarian cancer, familial, susceptibility to, 1. Last evaluated: 2025-11-21. Review status: criteria provided, single submitter. Criteria: DASA Assertion Criteria. Collection method: clinical testing. Allele origin: germline.
Comment: NM_007294.4(BRCA1):c.3376C>T (p.Pro1126Ser) is interpreted based on available population and clinical evidence, including population frequency and no convincing observation in affected individuals. Based on the available data, this variant is classified as likely benign.

Ambry Genetics
Classification: Uncertain significance for Hereditary cancer-predisposing syndrome. Last evaluated: 2024-11-11. Review status: criteria provided, single submitter. Criteria: Ambry Variant Classification Scheme 2023. Collection method: clinical testing. Allele origin: germline.
Comment: The p.P1126S variant (also known as c.3376C>T), located in coding exon 9 of the BRCA1 gene, results from a C to T substitution at nucleotide position 3376. The proline at codon 1126 is replaced by serine, an amino acid with similar properties. This amino acid position is conserved. In addition, the in silico prediction for this alteration is inconclusive. Based on the available evidence, the clinical significance of this variant remains unclear.